The following is an entry in ClinVar:

NM_000237.3(LPL):c.941G>T (p.Gly314Val)

Gene: LPL (lipoprotein lipase; plus strand). Cytogenetic location: 8p21.3.
Variant type: single nucleotide variant.
Coding change: c.941G>T on transcript NM_000237.3 (MANE Select); coding-DNA position 941, G replaced by T.
Protein change: p.Gly314Val; replaces glycine 314 with valine.
Molecular consequence: missense variant.
Genome position (GRCh38, 1-based): chr8:19,956,006, G>T. VCF-style: chr8-19956006-G-T. GRCh37 (hg19) VCF-style: chr8-19813517-G-T.
Other names: short protein forms G314V.
Identifiers: ClinVar variation 3349008 (VCV003349008.2).

ClinVar aggregate classification (germline): Likely pathogenic (1 of 4 stars; one submission).

Conditions:
LPL-related disorder. Also called: LPL-related condition.

gnomAD v4.1: 1 of 1,614,012 alleles (0.000062%); highest among the groups gnomAD compares: Non-Finnish European, 0.000085%; no homozygotes.

Submission:

PreventionGenetics, part of Exact Sciences
Classification: Likely pathogenic for LPL-related condition. Last evaluated: 2025-03-13. Review status: criteria provided, single submitter. Criteria: ACMG Guidelines, 2015. Collection method: clinical testing. Allele origin: germline.
Comment: The LPL c.941G>T variant is predicted to result in the amino acid substitution p.Gly314Val. A different missense substitution at this same codon (p.Gly314Ser) has been reported in the compound heterozygous state in an individual with hyperlipidemia (Hu et al. 2021. PubMed ID: 33217533) suggesting that substitution of amino acid residue p.Gly314 is not tolerated. This variant has not been reported in a large population database, indicating this variant is rare. This variant is interpreted as likely pathogenic.